The following is an entry in ClinVar:

NM_005236.3(ERCC4):c.421G>A (p.Glu141Lys)

Gene: ERCC4 (ERCC excision repair 4, endonuclease catalytic subunit; plus strand). Cytogenetic location: 16p13.12.
Variant type: single nucleotide variant.
Coding change: c.421G>A on transcript NM_005236.3 (MANE Select); coding-DNA position 421, G replaced by A.
Protein change: p.Glu141Lys; replaces glutamic acid 141 with lysine.
Molecular consequence: missense variant.
Genome position (GRCh38, 1-based): chr16:13,926,593, G>A. VCF-style: chr16-13926593-G-A. GRCh37 (hg19) VCF-style: chr16-14020450-G-A.
Other names: short protein forms E141K.
Identifiers: ClinVar variation 2930494 (VCV002930494.3), dbSNP rs760865964, ClinGen allele CA7910196.

ClinVar aggregate classification (germline): Uncertain significance (1 of 4 stars; one submission).

Conditions:
Xeroderma pigmentosum, group F (XPF). Also called: ERCC4-Related Xeroderma Pigmentosum; XERODERMA PIGMENTOSUM, COMPLEMENTATION GROUP F; XERODERMA PIGMENTOSUM VI; XP, GROUP F; XERODERMA PIGMENTOSUM, TYPE F; Xeroderma pigmentosum, type 6. Identifiers: MedGen C0268140, MONDO:0010215, OMIM 278760.
Fanconi anemia complementation group Q. Identifiers: Orphanet 84, MedGen C3808988, MONDO:0014108, OMIM 615272.
Cockayne syndrome. Identifiers: Orphanet 191, MedGen C0009207, MONDO:0016006.

Allele frequency attached by ClinVar (database versions not stated): TOPMed below 0.00001; gnomAD 0.00001; ExAC 0.00002.
gnomAD v4.1: 15 of 1,613,966 alleles (0.00093%); highest among the groups gnomAD compares: Middle Eastern, 0.033%; no homozygotes.

Submission:

Labcorp Genetics (formerly Invitae), Labcorp
Classification: Uncertain significance for Fanconi anemia complementation group Q; Xeroderma pigmentosum, group F; Cockayne syndrome. Last evaluated: 2024-11-12. Review status: criteria provided, single submitter. Criteria: Invitae Variant Classification Sherloc (09022015). Collection method: clinical testing. Allele origin: germline.
Comment: This sequence change replaces glutamic acid, which is acidic and polar, with lysine, which is basic and polar, at codon 141 of the ERCC4 protein (p.Glu141Lys). This variant is present in population databases (rs760865964, gnomAD 0.01%). This variant has not been reported in the literature in individuals affected with ERCC4-related conditions. ClinVar contains an entry for this variant (Variation ID: 2930494). Invitae Evidence Modeling of protein sequence and biophysical properties (such as structural, functional, and spatial information, amino acid conservation, physicochemical variation, residue mobility, and thermodynamic stability) has been performed for this missense variant. However, the output from this modeling did not meet the statistical confidence thresholds required to predict the impact of this variant on ERCC4 protein function. In summary, the available evidence is currently insufficient to determine the role of this variant in disease. Therefore, it has been classified as a Variant of Uncertain Significance.